The following is an entry in ClinVar:

NM_004364.5(CEBPA):c.38C>G (p.Pro13Arg)

Genes: CEBPA (CCAAT enhancer binding protein alpha; minus strand), LOC130064183 (ATAC-STARR-seq lymphoblastoid silent region 10495; plus strand). Cytogenetic location: 19q13.11.
Variant type: single nucleotide variant.
Coding change: c.38C>G on transcript NM_004364.5 (MANE Select); coding-DNA position 38, C replaced by G.
Protein change: p.Pro13Arg; replaces proline 13 with arginine.
Molecular consequence: missense variant. On other transcripts: 5 prime UTR variant (2).
Genome position (GRCh38, 1-based): chr19:33,302,377, G>C on the plus strand (C>G on the coding strand, the complement: CEBPA is on the minus strand). VCF-style: chr19-33302377-G-C. GRCh37 (hg19) VCF-style: chr19-33793283-G-C.
Other names: c.-320C>G (NM_001285829.2); c.143C>G, p.Pro48Arg (NM_001287424.2); c.-5C>G (NM_001287435.2); short protein forms P13R, P48R.
Identifiers: ClinVar variation 1374222 (VCV001374222.8), dbSNP rs2145264956, ClinGen allele CA405275810.

ClinVar aggregate classification (germline): Uncertain significance (1 of 4 stars; one submission).

Conditions:
Acute myeloid leukemia (AML). Also called: Leukemia, acute myeloid, somatic; Leukemia, acute myelogenous, somatic; Acute myeloid leukemia, adult; AML adult; Acute non-lymphocytic leukemia; Acute granulocytic leukemia. Identifiers: Orphanet 519, MedGen C0023467, MeSH D015470, MONDO:0018874, OMIM 601626, HP:0004808. Disease mechanism: Constitutively activated FLT3.

Submission:

Labcorp Genetics (formerly Invitae), Labcorp
Classification: Uncertain significance for Acute myeloid leukemia. Last evaluated: 2021-02-19. Review status: criteria provided, single submitter. Criteria: Invitae Variant Classification Sherloc (09022015). Collection method: clinical testing. Allele origin: germline.
Comment: Algorithms developed to predict the effect of missense changes on protein structure and function are either unavailable or do not agree on the potential impact of this missense change (SIFT: "Deleterious"; PolyPhen-2: "Probably Damaging"; Align-GVGD: "Class C0"). In summary, the available evidence is currently insufficient to determine the role of this variant in disease. Therefore, it has been classified as a Variant of Uncertain Significance. This variant has not been reported in the literature in individuals with CEBPA-related conditions. The frequency data for this variant in the population databases is considered unreliable, as metrics indicate insufficient coverage at this position in the ExAC database. This sequence change replaces proline with arginine at codon 13 of the CEBPA protein (p.Pro13Arg). The proline residue is moderately conserved and there is a moderate physicochemical difference between proline and arginine.